The following is an entry in ClinVar:

ClinVar aggregate classification (germline): Uncertain significance (1 of 4 stars; one submission).

Conditions:
Severe combined immunodeficiency due to DNA-PKcs deficiency. Also called: IMMUNODEFICIENCY 26 WITH NEUROLOGIC ABNORMALITIES; Immunodeficiency 26 with or without neurologic abnormalities. Identifiers: Orphanet 317425, MedGen C4014833, MONDO:0014423, OMIM 615966.

Allele frequency attached by ClinVar (database versions not stated): TOPMed below 0.00001; gnomAD 0.00001; ExAC 0.00003.
gnomAD v4.1: 16 of 1,576,754 alleles (0.001%); highest among the groups gnomAD compares: South Asian, 0.0023%; no homozygotes.

Submission:

Labcorp Genetics (formerly Invitae), Labcorp
Classification: Uncertain significance for Severe combined immunodeficiency due to DNA-PKcs deficiency. Last evaluated: 2025-01-06. Review status: criteria provided, single submitter. Criteria: Invitae Variant Classification Sherloc (09022015). Collection method: clinical testing. Allele origin: germline.
Comment: This sequence change replaces isoleucine, which is neutral and non-polar, with threonine, which is neutral and polar, at codon 2326 of the PRKDC protein (p.Ile2326Thr). This variant is present in population databases (rs745515428, gnomAD 0.004%). This variant has not been reported in the literature in individuals affected with PRKDC-related conditions. ClinVar contains an entry for this variant (Variation ID: 2160621). Invitae Evidence Modeling of protein sequence and biophysical properties (such as structural, functional, and spatial information, amino acid conservation, physicochemical variation, residue mobility, and thermodynamic stability) indicates that this missense variant is not expected to disrupt PRKDC protein function with a negative predictive value of 80%. In summary, the available evidence is currently insufficient to determine the role of this variant in disease. Therefore, it has been classified as a Variant of Uncertain Significance.

NM_006904.7(PRKDC):c.6977T>C (p.Ile2326Thr)

Gene: PRKDC (protein kinase, DNA-activated, catalytic subunit; minus strand). Cytogenetic location: 8q11.21.
Variant type: single nucleotide variant.
Coding change: c.6977T>C on transcript NM_006904.7 (MANE Select); coding-DNA position 6977, T replaced by C.
Protein change: p.Ile2326Thr; replaces isoleucine 2326 with threonine.
Molecular consequence: missense variant.
Genome position (GRCh38, 1-based): chr8:47,852,701, A>G on the plus strand (T>C on the coding strand, the complement: PRKDC is on the minus strand). VCF-style: chr8-47852701-A-G. GRCh37 (hg19) VCF-style: chr8-48765262-A-G.
Other names: c.6977T>C, p.Ile2326Thr (NM_001081640.2); short protein forms I2326T.
Identifiers: ClinVar variation 2160621 (VCV002160621.3), dbSNP rs745515428, ClinGen allele CA4740216.